The following is an entry in ClinVar:

ClinVar aggregate classification (germline): Uncertain significance (1 of 4 stars; one submission).

Allele frequency attached by ClinVar (database versions not stated): TOPMed below 0.00001; ExAC 0.00001; gnomAD 0.00001; gnomAD exomes 0.00001; ESP Exome Variant Server 0.00008.
gnomAD v4.1: 10 of 1,612,698 alleles (0.00062%); highest among the groups gnomAD compares: South Asian, 0.0033%; no homozygotes.

Submission:

Labcorp Genetics (formerly Invitae), Labcorp
Classification: Uncertain significance. Last evaluated: 2024-03-15. Review status: criteria provided, single submitter. Criteria: Invitae Variant Classification Sherloc (09022015). Collection method: clinical testing. Allele origin: germline.
Comment: This sequence change replaces glutamic acid, which is acidic and polar, with lysine, which is basic and polar, at codon 1064 of the ERBB2 protein (p.Glu1064Lys). This variant is present in population databases (rs376450229, gnomAD 0.0009%). This variant has not been reported in the literature in individuals affected with ERBB2-related conditions. ClinVar contains an entry for this variant (Variation ID: 2172060). An algorithm developed to predict the effect of missense changes on protein structure and function (PolyPhen-2) suggests that this variant is likely to be tolerated. In summary, the available evidence is currently insufficient to determine the role of this variant in disease. Therefore, it has been classified as a Variant of Uncertain Significance.

NM_004448.4(ERBB2):c.3190G>A (p.Glu1064Lys)

Gene: ERBB2 (erb-b2 receptor tyrosine kinase 2; plus strand). Cytogenetic location: 17q12.
Variant type: single nucleotide variant.
Coding change: c.3190G>A on transcript NM_004448.4 (MANE Select); coding-DNA position 3190, G replaced by A.
Protein change: p.Glu1064Lys; replaces glutamic acid 1064 with lysine.
Molecular consequence: missense variant. On other transcripts: non-coding transcript variant (1), intron variant (2).
Genome position (GRCh38, 1-based): chr17:39,727,325, G>A. VCF-style: chr17-39727325-G-A. GRCh37 (hg19) VCF-style: chr17-37883578-G-A.
Other names: c.3100G>A, p.Glu1034Lys (NM_001005862.3, NM_001382782.1, NM_001382783.1); c.3145G>A, p.Glu1049Lys (NM_001289936.2); c.3307G>A, p.Glu1103Lys (NM_001382784.1); c.3292G>A, p.Glu1098Lys (NM_001382785.1); c.3271G>A, p.Glu1091Lys (NM_001382786.1); c.3265G>A, p.Glu1089Lys (NM_001382787.1); c.3220G>A, p.Glu1074Lys (NM_001382788.1); c.3211G>A, p.Glu1071Lys (NM_001382789.1); and 17 more; short protein forms E1012K, E1063K, E1091K, E788K, E1064K, E1071K, E1103K, E718K.
Identifiers: ClinVar variation 2172060 (VCV002172060.4), dbSNP rs376450229, ClinGen allele CA8534502.